The following is an entry in ClinVar:

NM_153603.4(COG7):c.922G>A (p.Glu308Lys)

Gene: COG7 (component of oligomeric golgi complex 7; minus strand). Cytogenetic location: 16p12.2.
Variant type: single nucleotide variant.
Coding change: c.922G>A on transcript NM_153603.4 (MANE Select); coding-DNA position 922, G replaced by A.
Protein change: p.Glu308Lys; replaces glutamic acid 308 with lysine.
Molecular consequence: missense variant.
Genome position (GRCh38, 1-based): chr16:23,424,836, C>T on the plus strand (G>A on the coding strand, the complement: COG7 is on the minus strand). VCF-style: chr16-23424836-C-T. GRCh37 (hg19) VCF-style: chr16-23436157-C-T.
Other names: short protein forms E308K.
Identifiers: ClinVar variation 1953942 (VCV001953942.3), dbSNP rs758616225, ClinGen allele CA7961137.

ClinVar aggregate classification (germline): Uncertain significance (1 of 4 stars; one submission).

Conditions:
COG7 congenital disorder of glycosylation (CDG2E). Also called: CONGENITAL DISORDER OF GLYCOSYLATION, TYPE IIe; CDG IIe. Identifiers: Orphanet 79333, MedGen C2931010, MONDO:0012118, OMIM 608779.

Allele frequency attached by ClinVar (database versions not stated): gnomAD exomes below 0.00001; gnomAD 0.00002; TOPMed 0.00002; ExAC 0.00003.
gnomAD v4.1: 10 of 1,614,086 alleles (0.00062%); highest among the groups gnomAD compares: African/African-American, 0.0093%; no homozygotes.

Submission:

Labcorp Genetics (formerly Invitae), Labcorp
Classification: Uncertain significance for COG7 congenital disorder of glycosylation. Last evaluated: 2022-07-21. Review status: criteria provided, single submitter. Criteria: Invitae Variant Classification Sherloc (09022015). Collection method: clinical testing. Allele origin: germline.
Comment: In summary, the available evidence is currently insufficient to determine the role of this variant in disease. Therefore, it has been classified as a Variant of Uncertain Significance. Algorithms developed to predict the effect of missense changes on protein structure and function (SIFT, PolyPhen-2, Align-GVGD) all suggest that this variant is likely to be tolerated. This variant has not been reported in the literature in individuals affected with COG7-related conditions. This variant is present in population databases (rs758616225, gnomAD 0.02%). This sequence change replaces glutamic acid, which is acidic and polar, with lysine, which is basic and polar, at codon 308 of the COG7 protein (p.Glu308Lys).